The following is an entry in ClinVar:

ClinVar aggregate classification (germline): Uncertain significance. Review status: criteria provided, multiple submitters, no conflicts (2 of 4 stars). 2 submissions from 2 submitters: Uncertain significance (2). Last evaluated 2024-09-04.

Conditions:
Inborn genetic diseases. Identifiers: MedGen C0950123, MeSH D030342.

Allele frequency attached by ClinVar (database versions not stated): ExAC 0.00017; gnomAD exomes 0.00021; gnomAD 0.00022 and 0.00024; TOPMed 0.00026; ESP Exome Variant Server 0.00038.
gnomAD v4.1: 675 of 1,614,002 alleles (0.042%); highest among the groups gnomAD compares: Non-Finnish European, 0.053%; 2 homozygotes.

Submissions (2):

Ambry Genetics
Classification: Uncertain significance for Inborn genetic diseases. Last evaluated: 2024-09-04. Review status: criteria provided, single submitter. Criteria: Ambry Variant Classification Scheme 2023. Collection method: clinical testing. Allele origin: germline.

Labcorp Genetics (formerly Invitae), Labcorp
Classification: Uncertain significance. Last evaluated: 2022-08-23. Review status: criteria provided, single submitter. Criteria: Invitae Variant Classification Sherloc (09022015). Collection method: clinical testing. Allele origin: germline.
Comment: In summary, the available evidence is currently insufficient to determine the role of this variant in disease. Therefore, it has been classified as a Variant of Uncertain Significance. Algorithms developed to predict the effect of missense changes on protein structure and function are either unavailable or do not agree on the potential impact of this missense change (SIFT: "Tolerated"; PolyPhen-2: "Possibly Damaging"; Align-GVGD: "Class C0"). This sequence change replaces valine, which is neutral and non-polar, with leucine, which is neutral and non-polar, at codon 234 of the PUS3 protein (p.Val234Leu). This variant is present in population databases (rs148017767, gnomAD 0.04%). This variant has not been reported in the literature in individuals affected with PUS3-related conditions. ClinVar contains an entry for this variant (Variation ID: 1433166).

NM_031307.4(PUS3):c.700G>T (p.Val234Leu)

Genes: HYLS1 (HYLS1 centriolar and ciliogenesis associated; plus strand), PUS3 (pseudouridine synthase 3; minus strand). Cytogenetic location: 11q24.2.
Variant type: single nucleotide variant.
Coding change: c.700G>T on transcript NM_031307.4 (MANE Select); coding-DNA position 700, G replaced by T.
Protein change: p.Val234Leu; replaces valine 234 with leucine.
Molecular consequence: missense variant. On other transcripts: intron variant (5).
Genome position (GRCh38, 1-based): chr11:125,895,468, C>A on the plus strand (G>T on the coding strand, the complement: PUS3 is on the minus strand). VCF-style: chr11-125895468-C-A. GRCh37 (hg19) VCF-style: chr11-125765363-C-A.
Other names: c.76G>T, p.Val26Leu (NM_001271985.2); c.-80-3636C>A (NM_145014.3); c.-25-3876C>A (NM_001134793.2, NM_001377269.1); c.-22-3879C>A (NM_001424364.1, NM_001377270.1); short protein forms V26L, V234L.
Identifiers: ClinVar variation 1433166 (VCV001433166.8), dbSNP rs148017767, ClinGen allele CA6350459.